The following is an entry in ClinVar:

ClinVar aggregate classification (germline): Uncertain significance (1 of 4 stars; one submission).

Conditions:
Infantile neuroaxonal dystrophy (NBIA2A). Also called: NEURODEGENERATION WITH BRAIN IRON ACCUMULATION 2A; SEITELBERGER DISEASE; Infantile neuroaxonal dystrophy 1. Identifiers: Orphanet 35069, MedGen C0270724, MONDO:0024457, OMIM 256600.

Allele frequency attached by ClinVar (database versions not stated): TOPMed below 0.00001.

Submission:

Labcorp Genetics (formerly Invitae), Labcorp
Classification: Uncertain significance for Infantile neuroaxonal dystrophy. Last evaluated: 2023-12-22. Review status: criteria provided, single submitter. Criteria: Invitae Variant Classification Sherloc (09022015). Collection method: clinical testing. Allele origin: germline.
Comment: This sequence change replaces aspartic acid, which is acidic and polar, with histidine, which is basic and polar, at codon 164 of the PLA2G6 protein (p.Asp164His). This variant is not present in population databases (gnomAD no frequency). This variant has not been reported in the literature in individuals affected with PLA2G6-related conditions. ClinVar contains an entry for this variant (Variation ID: 1445901). Advanced modeling of protein sequence and biophysical properties (such as structural, functional, and spatial information, amino acid conservation, physicochemical variation, residue mobility, and thermodynamic stability) performed at Invitae indicates that this missense variant is not expected to disrupt PLA2G6 protein function with a negative predictive value of 80%. In summary, the available evidence is currently insufficient to determine the role of this variant in disease. Therefore, it has been classified as a Variant of Uncertain Significance.

NM_003560.4(PLA2G6):c.490G>C (p.Asp164His)

Gene: PLA2G6 (phospholipase A2 group VI; minus strand). Cytogenetic location: 22q13.1.
Variant type: single nucleotide variant.
Coding change: c.490G>C on transcript NM_003560.4 (MANE Select); coding-DNA position 490, G replaced by C.
Protein change: p.Asp164His; replaces aspartic acid 164 with histidine.
Molecular consequence: missense variant. On other transcripts: 5 prime UTR variant (3).
Genome position (GRCh38, 1-based): chr22:38,143,224, C>G on the plus strand (G>C on the coding strand, the complement: PLA2G6 is on the minus strand). VCF-style: chr22-38143224-C-G. GRCh37 (hg19) VCF-style: chr22-38539231-C-G.
Other names: c.490G>C, p.Asp164His (NM_001004426.3, NM_001199562.3, NM_001349864.2 and 2 more transcripts); c.-45G>C (NM_001349867.2, NM_001349869.2); c.-1G>C (NM_001349868.2); short protein forms D164H.
Identifiers: ClinVar variation 1445901 (VCV001445901.8), dbSNP rs2089026871, ClinGen allele CA411531922.
Genomic context (GRCh38, chr22:38,143,224, plus strand): 5'-AGTCGGTGACATCCATCTGAGTGTGGCAGTACTGCACCAGCTCCACCAGGATCTCCCCAT[C>G]ACCCTTGCGGCAGGCCAGGTGCAGGGGTGTGCAGCCCTCCTCGTTCTCCGCGCAATTGGC-3'
Protein context (NP_003551.2, residues 154-174): TPLHLACRKG[Asp164His]GEILVELVQY